The following is an entry in ClinVar:

NM_198253.3(TERT):c.893C>G (p.Ser298Cys)

Gene: TERT (telomerase reverse transcriptase; minus strand). Cytogenetic location: 5p15.33.
Variant type: single nucleotide variant.
Coding change: c.893C>G on transcript NM_198253.3 (MANE Select); coding-DNA position 893, C replaced by G.
Protein change: p.Ser298Cys; replaces serine 298 with cysteine.
Molecular consequence: missense variant. On other transcripts: non-coding transcript variant (2).
Genome position (GRCh38, 1-based): chr5:1,293,993, G>C on the plus strand (C>G on the coding strand, the complement: TERT is on the minus strand). VCF-style: chr5-1293993-G-C. GRCh37 (hg19) VCF-style: chr5-1294108-G-C.
Other names: c.893C>G, p.Ser298Cys (NM_001193376.3); short protein forms S298C.
Identifiers: ClinVar variation 643369 (VCV000643369.13), dbSNP rs918075673, ClinGen allele CA112914930.

ClinVar aggregate classification (germline): Uncertain significance. Review status: criteria provided, multiple submitters, no conflicts (2 of 4 stars). 2 submissions from 2 submitters: Uncertain significance (2). Last evaluated 2024-01-15.

Conditions:
Idiopathic Pulmonary Fibrosis. Also called: Idiopathic fibrosing alveolitis, chronic form; idiopathic fibrosing alveolitis. Identifiers: Orphanet 2032, MedGen C1800706, MeSH D054990, MONDO:0800504.
Dyskeratosis congenita, autosomal dominant 2. Identifiers: MedGen C3151443, MONDO:0013521, OMIM 613989.
Dyskeratosis congenita. Identifiers: Orphanet 1775, MedGen C0265965, MONDO:0015780.

gnomAD v4.1: 1 of 1,575,856 alleles (0.000063%); no homozygotes.

Submissions (2):

Labcorp Genetics (formerly Invitae), Labcorp
Classification: Uncertain significance for Dyskeratosis congenita, autosomal dominant 2; Idiopathic Pulmonary Fibrosis. Last evaluated: 2024-01-15. Review status: criteria provided, single submitter. Criteria: Invitae Variant Classification Sherloc (09022015). Collection method: clinical testing. Allele origin: germline.
Comment: This sequence change replaces serine, which is neutral and polar, with cysteine, which is neutral and slightly polar, at codon 298 of the TERT protein (p.Ser298Cys). This variant is not present in population databases (gnomAD no frequency). This variant has not been reported in the literature in individuals affected with TERT-related conditions. ClinVar contains an entry for this variant (Variation ID: 643369). Advanced modeling of protein sequence and biophysical properties (such as structural, functional, and spatial information, amino acid conservation, physicochemical variation, residue mobility, and thermodynamic stability) has been performed at Invitae for this missense variant, however the output from this modeling did not meet the statistical confidence thresholds required to predict the impact of this variant on TERT protein function. In summary, the available evidence is currently insufficient to determine the role of this variant in disease. Therefore, it has been classified as a Variant of Uncertain Significance.

Ambry Genetics
Classification: Uncertain significance for Dyskeratosis congenita. Last evaluated: 2022-04-20. Review status: criteria provided, single submitter. Criteria: Ambry Variant Classification Scheme 2023. Collection method: clinical testing. Allele origin: germline.
Comment: The p.S298C variant (also known as c.893C>G), located in coding exon 2 of the TERT gene, results from a C to G substitution at nucleotide position 893. The serine at codon 298 is replaced by cysteine, an amino acid with dissimilar properties. This amino acid position is conserved. In addition, this alteration is predicted to be tolerated by in silico analysis. Since supporting evidence is limited at this time, the clinical significance of this alteration remains unclear.